The following is an entry in ClinVar:

NM_001379286.1(ZNF423):c.2752A>G (p.Asn918Asp)

Gene: ZNF423 (zinc finger protein 423; minus strand). Cytogenetic location: 16q12.1.
Variant type: single nucleotide variant.
Coding change: c.2752A>G on transcript NM_001379286.1 (MANE Select); coding-DNA position 2752, A replaced by G.
Protein change: p.Asn918Asp; replaces asparagine 918 with aspartic acid.
Molecular consequence: missense variant.
Genome position (GRCh38, 1-based): chr16:49,636,424, T>C on the plus strand (A>G on the coding strand, the complement: ZNF423 is on the minus strand). VCF-style: chr16-49636424-T-C. GRCh37 (hg19) VCF-style: chr16-49670335-T-C.
Other names: c.2548A>G, p.Asn850Asp (NM_001271620.2); c.2377A>G, p.Asn793Asp (NM_001330533.2); c.2728A>G, p.Asn910Asp (NM_015069.5); short protein forms N850D, N793D, N918D, N910D.
Identifiers: ClinVar variation 2071234 (VCV002071234.4), dbSNP rs1972708056, ClinGen allele CA395841597.
Genomic context (GRCh38, chr16:49,636,424, plus strand): 5'-GACTGCCCTTGATAAACTCAGCCTTCTTGCGTGAGCCATCATCCTCGCCCGGCCGGATAT[T>C]GTGGTCCCGCAGCCGGTGATTCTGCAGCAGCACCTCCATGGTGTAGGCCGCCCCACAGAT-3'
Protein context (NP_001366215.1, residues 908-928): LLQNHRLRDH[Asn918Asp]IRPGEDDGSR

ClinVar aggregate classification (germline): Uncertain significance (1 of 4 stars; one submission).

Conditions:
Nephronophthisis 14 (NPHP14). Identifiers: Orphanet 2318, MedGen C3539071, MONDO:0013916, OMIM 614844.

Allele frequency attached by ClinVar (database versions not stated): gnomAD exomes below 0.00001.
gnomAD v4.1: 2 of 1,613,420 alleles (0.00012%); highest among the groups gnomAD compares: East Asian, 0.0022%; no homozygotes.

Submission:

Labcorp Genetics (formerly Invitae), Labcorp
Classification: Uncertain significance for Nephronophthisis 14. Last evaluated: 2022-01-03. Review status: criteria provided, single submitter. Criteria: Invitae Variant Classification Sherloc (09022015). Collection method: clinical testing. Allele origin: germline.
Comment: In summary, the available evidence is currently insufficient to determine the role of this variant in disease. Therefore, it has been classified as a Variant of Uncertain Significance. Algorithms developed to predict the effect of missense changes on protein structure and function are either unavailable or do not agree on the potential impact of this missense change (SIFT: "Deleterious"; PolyPhen-2: "Possibly Damaging"; Align-GVGD: "Class C0"). This variant has not been reported in the literature in individuals affected with ZNF423-related conditions. This variant is not present in population databases (gnomAD no frequency). This sequence change replaces asparagine, which is neutral and polar, with aspartic acid, which is acidic and polar, at codon 910 of the ZNF423 protein (p.Asn910Asp).